The following is an entry in ClinVar:

NM_144701.3(IL23R):c.8A>G (p.Gln3Arg)

Gene: IL23R (interleukin 23 receptor; plus strand). Cytogenetic location: 1p31.3.
Variant type: single nucleotide variant.
Coding change: c.8A>G on transcript NM_144701.3 (MANE Select); coding-DNA position 8, A replaced by G.
Protein change: p.Gln3Arg; replaces glutamine 3 with arginine.
Molecular consequence: missense variant.
Genome position (GRCh38, 1-based): chr1:67,168,128, A>G. VCF-style: chr1-67168128-A-G. GRCh37 (hg19) VCF-style: chr1-67633811-A-G.
Other names: short protein forms Q3R.
Identifiers: ClinVar variation 2961090 (VCV002961090.3), dbSNP rs756938673, ClinGen allele CA899611.
Genomic context (GRCh38, chr1:67,168,128, plus strand): 5'-ACATTTTTCATATTTTTTTTCCAGAGGGAAACAGTCTTTTCCTGCTTCCAGACATGAATC[A>G]GGTCACTATTCAATGGGATGCAGTAATAGCCCTTTACATACTCTTCAGCTGGTGTCATGG-3'
Protein context (NP_653302.2, residues 1-13): MN[Gln3Arg]VTIQWDAVIA

ClinVar aggregate classification (germline): Uncertain significance (1 of 4 stars; one submission).

Allele frequency attached by ClinVar (database versions not stated): gnomAD 0.00001; TOPMed 0.00001; gnomAD exomes 0.00001; ExAC 0.00001.
gnomAD v4.1: 10 of 1,607,766 alleles (0.00062%); highest among the groups gnomAD compares: Middle Eastern, 0.066%; no homozygotes.

Submission:

Labcorp Genetics (formerly Invitae), Labcorp
Classification: Uncertain significance. Last evaluated: 2025-12-23. Review status: criteria provided, single submitter. Criteria: Invitae Variant Classification Sherloc (09022015). Collection method: clinical testing. Allele origin: germline.
Comment: This sequence change replaces glutamine, which is neutral and polar, with arginine, which is basic and polar, at codon 3 of the IL23R protein (p.Gln3Arg). This variant is present in population databases (rs756938673, gnomAD 0.003%). This variant has not been reported in the literature in individuals affected with IL23R-related conditions. ClinVar contains an entry for this variant (Variation ID: 2961090). An algorithm developed to predict the effect of missense changes on protein structure and function outputs the following: PolyPhen-2: "Possibly Damaging". The arginine amino acid residue is found in multiple mammalian species, which suggests that this missense change does not adversely affect protein function. In summary, the available evidence is currently insufficient to determine the role of this variant in disease. Therefore, it has been classified as a Variant of Uncertain Significance.